The following is an entry in ClinVar:

NM_001365999.1(SZT2):c.4726C>T (p.Arg1576Cys)

Gene: SZT2 (SZT2 subunit of KICSTOR complex; plus strand). Cytogenetic location: 1p34.2.
Variant type: single nucleotide variant.
Coding change: c.4726C>T on transcript NM_001365999.1 (MANE Select); coding-DNA position 4726, C replaced by T.
Protein change: p.Arg1576Cys; replaces arginine 1576 with cysteine.
Molecular consequence: missense variant.
Genome position (GRCh38, 1-based): chr1:43,430,741, C>T. VCF-style: chr1-43430741-C-T. GRCh37 (hg19) VCF-style: chr1-43896412-C-T.
Other names: c.4555C>T, p.Arg1519Cys (NM_015284.4); short protein forms R1519C, R1576C.
Identifiers: ClinVar variation 2043586 (VCV002043586.2), dbSNP rs368614137, ClinGen allele CA809362.

ClinVar aggregate classification (germline): Uncertain significance (1 of 4 stars; one submission).

Allele frequency attached by ClinVar (database versions not stated): gnomAD exomes 0.00001; ExAC 0.00002; TOPMed 0.00002; gnomAD 0.00003.

Submission:

Labcorp Genetics (formerly Invitae), Labcorp
Classification: Uncertain significance. Last evaluated: 2023-07-07. Review status: criteria provided, single submitter. Criteria: Invitae Variant Classification Sherloc (09022015). Collection method: clinical testing. Allele origin: germline.
Comment: In summary, the available evidence is currently insufficient to determine the role of this variant in disease. Therefore, it has been classified as a Variant of Uncertain Significance. Advanced modeling of protein sequence and biophysical properties (such as structural, functional, and spatial information, amino acid conservation, physicochemical variation, residue mobility, and thermodynamic stability) performed at Invitae indicates that this missense variant is not expected to disrupt SZT2 protein function. ClinVar contains an entry for this variant (Variation ID: 2043586). This variant has not been reported in the literature in individuals affected with SZT2-related conditions. This variant is present in population databases (rs368614137, gnomAD 0.01%). This sequence change replaces arginine, which is basic and polar, with cysteine, which is neutral and slightly polar, at codon 1519 of the SZT2 protein (p.Arg1519Cys).